The following is an entry in ClinVar:

NM_198578.4(LRRK2):c.*1181C>T

Gene: LRRK2 (leucine rich repeat kinase 2; plus strand). Cytogenetic location: 12q12.
Variant type: single nucleotide variant.
Coding change: c.*1181C>T on transcript NM_198578.4 (MANE Select); 1181 bases downstream of the stop codon, C replaced by T.
Molecular consequence: 3 prime UTR variant.
Genome position (GRCh38, 1-based): chr12:40,368,946, C>T. VCF-style: chr12-40368946-C-T. GRCh37 (hg19) VCF-style: chr12-40762748-C-T.
Identifiers: ClinVar variation 308673 (VCV000308673.5), dbSNP rs147956597, ClinGen allele CA10642165.

ClinVar aggregate classification (germline): Benign (1 of 4 stars; one submission).

Conditions:
Autosomal dominant Parkinson disease 8. Also called: LRRK2-Related Parkinson Disease; Parkinson disease 8; Parkinson disease 8, susceptibility to. Identifiers: Orphanet 411602, MedGen C1846862, MONDO:0011764, OMIM 607060.

Allele frequency attached by ClinVar (database versions not stated): gnomAD 0.00270 and 0.00296; 1000 Genomes Project 30x 0.00281; 1000 Genomes Project 0.00300; TOPMed 0.00301.

Submission:

Illumina Laboratory Services, Illumina
Classification: Benign for Autosomal dominant Parkinson disease 8. Last evaluated: 2018-01-13. Review status: criteria provided, single submitter. Criteria: ICSL Variant Classification Criteria 13 December 2019. Collection method: clinical testing. Allele origin: germline.
Comment: This variant was observed in the ICSL laboratory as part of a predisposition screen in an ostensibly healthy population. It had not been previously curated by ICSL or reported in the Human Gene Mutation Database (HGMD: prior to June 1st, 2018), and was therefore a candidate for classification through an automated scoring system. Utilizing variant allele frequency, disease prevalence and penetrance estimates, and inheritance mode, an automated score was calculated to assess if this variant is too frequent to cause the disease. Based on the score and internal cut-off values, a variant classified as benign is not then subjected to further curation. The score for this variant resulted in a classification of benign for this disease.